The following is an entry in ClinVar:

NM_001142800.2(EYS):c.9293del (p.Ile3098fs)

Genes: EYS (EGF-like photoreceptor maintenance factor; minus strand), PHF3 (PHD finger protein 3; plus strand). Cytogenetic location: 6q12.
Variant type: Deletion.
Coding change: c.9293del on transcript NM_001142800.2 (MANE Select); coding-DNA position 9293, one base deleted (T; older notation c.9293delT).
Protein change: p.Ile3098fs; shifts the reading frame from isoleucine 3098.
Molecular consequence: frameshift variant. On other transcripts: 3 prime UTR variant (5).
Genome position (GRCh38, 1-based): chr6:63,720,738, A deleted on the plus strand (T on the coding strand, the reverse complement: EYS is on the minus strand). VCF-style (leftmost placement, unchanged base first): chr6-63720737-GA-G. GRCh37 (hg19) VCF-style: chr6-64430633-GA-G.
Other names: c.*7030del (NM_001290259.2, NM_001370348.2, NM_001370349.2 and 2 more transcripts); c.9356del, p.Ile3119fs (NM_001292009.2); short protein forms I3098fs, I3119fs.
Identifiers: ClinVar variation 2850660 (VCV002850660.3), dbSNP rs2533385573, ClinGen allele CA2739273149.

ClinVar aggregate classification (germline): Pathogenic (1 of 4 stars; one submission).

Submission:

Labcorp Genetics (formerly Invitae), Labcorp
Classification: Pathogenic. Last evaluated: 2023-03-29. Review status: criteria provided, single submitter. Criteria: Invitae Variant Classification Sherloc (09022015). Collection method: clinical testing. Allele origin: germline.
Comment: This variant disrupts a region of the EYS protein in which other variant(s) (p.Tyr3135*) have been determined to be pathogenic (PMID: 18976725, 29159838, 30337596, 31074760). This suggests that this is a clinically significant region of the protein, and that variants that disrupt it are likely to be disease-causing. For these reasons, this variant has been classified as Pathogenic. This variant has not been reported in the literature in individuals affected with EYS-related conditions. This variant is not present in population databases (gnomAD no frequency). This sequence change creates a premature translational stop signal (p.Ile3098Thrfs*29) in the EYS gene. While this is not anticipated to result in nonsense mediated decay, it is expected to disrupt the last 47 amino acid(s) of the EYS protein.

Literature cited by the submitters: PubMed 18976725; PubMed 29159838; PubMed 30337596; PubMed 31074760.